The following is an entry in ClinVar:

ClinVar aggregate classification (germline): Uncertain significance. Review status: criteria provided, single submitter (1 of 4 stars). 2 submissions from 2 submitters: Uncertain significance (1). 1 of the submissions does not count toward it. Last evaluated 2024-08-13.

Conditions:
Multiple self-healing squamous epithelioma (MSSE). Also called: MULTIPLE SELF-HEALING SQUAMOUS EPITHELIOMA, SUSCEPTIBILITY TO. Identifiers: Orphanet 65748, MedGen C0546476, MONDO:0007566, OMIM 132800.
Loeys-Dietz syndrome (LDS). Identifiers: Orphanet 60030, MedGen C2697932, MONDO:0018954.

Submissions (2):

All of Us Research Program, National Institutes of Health
Classification: Uncertain significance for Loeys-Dietz syndrome. Last evaluated: 2024-08-13. Review status: criteria provided, single submitter. Criteria: ACMG Guidelines, 2015. Collection method: clinical testing. Allele origin: germline. Inheritance: Autosomal dominant inheritance. Observed: 1 variant allele, 1 heterozygote.
Comment: This variant causes an A>C nucleotide substitution at the -2 position of intron 4 of the TGFBR1 gene. Splice site prediction tools suggest that this variant may have a significant impact on RNA splicing. An ex vivo minigene splicing assay has shown that this variant causes a deletion of 76 nucleotides from exon 5, predicted to result in frameshift and premature truncation (PMID: 29706644). This variant has been reported in two individuals from one family affected with multiple self-healing squamous epithelioma (PMID: 21358634, 23358096). This variant has not been identified in the general population by the Genome Aggregation Database (gnomAD). Clinical relevance of loss-of-function TGFBR1 truncation and splice variants variants in autosomal dominant Loeys-Dietz syndrome or thoracic aortic aneurysm and dissection is not clearly established. The available evidence is insufficient to determine the role of this variant in disease conclusively. Therefore, this variant is classified as a Variant of Uncertain Significance.

This study involves interpretation of variants in research participants for the purpose of population health screening. Participant phenotype was not available at the time of variant classification. Additional details can be found in publication PMID: 35346344, PMCID: PMC8962531

OMIM
Classification: risk factor for MULTIPLE SELF-HEALING SQUAMOUS EPITHELIOMA, SUSCEPTIBILITY TO. Last evaluated: 2011-02-27. Review status: no assertion criteria provided. Collection method: literature only. Allele origin: germline. Not counted in ClinVar's aggregate classification.

Literature cited by the submitters: PubMed 21358634 (cited by All of Us Research Program, National Institutes of Health and OMIM); PubMed 23358096 (cited by All of Us Research Program, National Institutes of Health); PubMed 29706644 (cited by All of Us Research Program, National Institutes of Health).

NM_004612.4(TGFBR1):c.806-2A>C

Gene: TGFBR1 (transforming growth factor beta receptor 1; plus strand). Cytogenetic location: 9q22.33.
Variant type: single nucleotide variant.
Coding change: c.806-2A>C on transcript NM_004612.4 (MANE Select); the canonical splice acceptor site of the intron before coding-DNA position 806, A replaced by C.
Molecular consequence: splice acceptor variant. On other transcripts: intron variant (2).
Genome position (GRCh38, 1-based): chr9:99,142,534, A>C. VCF-style: chr9-99142534-A-C. GRCh37 (hg19) VCF-style: chr9-101904816-A-C.
Other names: IVS4AS, A-C, -2; c.611-2A>C (NM_001407418.1, NM_001407419.1, NM_001407422.1 and 1 more transcripts); c.599-2A>C (NM_001407423.1, NM_001407424.1, NM_001407425.1 and 8 more transcripts); c.818-2A>C (NM_001306210.2); c.818-2198A>C (NM_001407416.1); c.806-2198A>C (NM_001407417.1); c.575-2A>C (NM_001407435.1, NM_001130916.3); c.560-2A>C (NM_001407436.1); and 2 more.
Identifiers: ClinVar variation 29917 (VCV000029917.2), dbSNP rs587776866, ClinGen allele CA008874.
Genomic context (GRCh38, chr9:99,142,534, plus strand): 5'-CATTGAACAAATAAATCATAAATGGTCTGCAGCCCAACCGAAATGTTAATTCTGTTTTAC[A>C]GACAATGGTACTTGGACTCAGCTCTGGTTGGTGTCAGATTATCATGAGCATGGATCCCTT-3'